The following is an entry in ClinVar:

ClinVar aggregate classification (germline): Uncertain significance (1 of 4 stars; one submission).

gnomAD v4.1: 6 of 1,555,820 alleles (0.00039%); highest among the groups gnomAD compares: Admixed American, 0.0018%; no homozygotes.

Submission:

GeneDx
Classification: Uncertain significance. Last evaluated: 2026-02-12. Review status: criteria provided, single submitter. Criteria: GeneDx Variant Classification Process June 2021. Collection method: clinical testing. Allele origin: germline.
Comment: Not observed at significant frequency in large population cohorts (gnomAD); Has not been previously published as pathogenic or benign to our knowledge; In silico analysis suggests this variant may impact gene splicing. In the absence of RNA/functional studies, the actual effect of this sequence change is unknown.

NM_001080453.3(INTS1):c.5829+6T>C

Gene: INTS1 (integrator complex subunit 1; minus strand). Cytogenetic location: 7p22.3.
Variant type: single nucleotide variant.
Coding change: c.5829+6T>C on transcript NM_001080453.3 (MANE Select); 6 bases into the intron after coding-DNA position 5829, T replaced by C.
Molecular consequence: intron variant.
Genome position (GRCh38, 1-based): chr7:1,474,162, A>G on the plus strand (T>C on the coding strand, the complement: INTS1 is on the minus strand). VCF-style: chr7-1474162-A-G. GRCh37 (hg19) VCF-style: chr7-1513798-A-G.
Identifiers: ClinVar variation 4888101 (VCV004888101.1).